The following is an entry in ClinVar:

NM_203447.4(DOCK8):c.2083_2109+62del

Gene: DOCK8 (dedicator of cytokinesis 8; plus strand). Cytogenetic location: 9p24.3.
Variant type: Deletion.
Coding change: c.2083_2109+62del on transcript NM_203447.4 (MANE Select); coding-DNA position 2083 through 62 bases into the intron after coding-DNA position 2109, 89 bases deleted.
Molecular consequence: splice donor variant.
Genome position (GRCh38, 1-based): chr9:372,260-372,348, 89 bases deleted. GRCh37 (hg19): chr9:372,260-372,348.
Other names: c.1879_1905+62del (NM_001193536.2, NM_001190458.2).
Identifiers: ClinVar variation 3774265 (VCV003774265.1).

ClinVar aggregate classification (germline): Likely pathogenic (1 of 4 stars; one submission).

Submission:

GeneDx
Classification: Likely pathogenic. Last evaluated: 2024-09-23. Review status: criteria provided, single submitter. Criteria: GeneDx Variant Classification Process June 2021. Collection method: clinical testing. Allele origin: germline. Affected: yes.
Comment: Canonical splice site variant predicted to result in an in-frame loss of the adjacent exon in a gene for which loss of function is a known mechanism of disease; Not observed at significant frequency in large population cohorts (gnomAD); Has not been previously published as pathogenic or benign to our knowledge